The following is an entry in ClinVar:

NM_178857.6(RP1L1):c.5124G>A (p.Val1708=)

Gene: RP1L1 (RP1 like 1). Cytogenetic location: 8p23.1.
Variant type: single nucleotide variant.
Coding change: c.5124G>A on transcript NM_178857.6 (MANE Select); coding-DNA position 5124, G replaced by A.
Protein change: p.Val1708=; no amino-acid change (valine 1708 retained).
Molecular consequence: synonymous variant.
Genome position (GRCh38, 1-based): chr8:10,608,974, C>T on the plus strand (G>A on the coding strand, the complement: RP1L1 is on the minus strand). VCF-style: chr8-10608974-C-T. GRCh37 (hg19) VCF-style: chr8-10466484-C-T.
Other names: c.5124G>A (NM_178857.5).
Identifiers: ClinVar variation 2658388 (VCV002658388.26), dbSNP rs199631488, ClinGen allele CA4623760.

ClinVar aggregate classification (germline): Likely benign. Review status: criteria provided, multiple submitters, no conflicts (2 of 4 stars). 3 submissions from 3 submitters: Likely benign (2). 1 of the submissions does not count toward it. Last evaluated 2024-11-22.

Conditions:
RP1L1-related disorder. Also called: RP1L1-related condition.

Allele frequency attached by ClinVar (database versions not stated): gnomAD exomes 0.00014; ExAC 0.00043; 1000 Genomes Project 0.00120; 1000 Genomes Project 30x 0.00125; gnomAD 0.00148; ESP Exome Variant Server 0.00153; TOPMed 0.00174.
gnomAD v4.1: 434 of 1,613,268 alleles (0.027%); highest among the groups gnomAD compares: African/African-American, 0.52%; 1 homozygote.

Submissions (3):

Blueprint Genetics
Classification: Likely benign. Last evaluated: 2024-11-22. Review status: criteria provided, single submitter. Criteria: ACMG Guidelines, 2015. Collection method: clinical testing. Allele origin: germline.

CeGaT Center for Human Genetics Tuebingen
Classification: Likely benign. Last evaluated: 2022-12-01. Review status: criteria provided, single submitter. Criteria: CeGaT Center For Human Genetics Tuebingen Variant Classification Criteria Version 2. Collection method: clinical testing. Allele origin: germline. Affected: yes. Observed: 1 variant allele.
Comment: RP1L1: BP4, BP7

PreventionGenetics, part of Exact Sciences
Classification: Benign for RP1L1-related condition. Last evaluated: 2024-08-16. Review status: no assertion criteria provided. Collection method: clinical testing. Allele origin: germline. Not counted in ClinVar's aggregate classification.
Comment: This variant is classified as benign based on ACMG/AMP sequence variant interpretation guidelines (Richards et al. 2015 PMID: 25741868, with internal and published modifications).